The following is an entry in ClinVar:

NM_016373.4(WWOX):c.251C>G (p.Thr84Ser)

Gene: WWOX (WW domain containing oxidoreductase; plus strand). Cytogenetic location: 16q23.1.
Variant type: single nucleotide variant.
Coding change: c.251C>G on transcript NM_016373.4 (MANE Select); coding-DNA position 251, C replaced by G.
Protein change: p.Thr84Ser; replaces threonine 84 with serine.
Molecular consequence: missense variant. On other transcripts: 5 prime UTR variant (1), non-coding transcript variant (1).
Genome position (GRCh38, 1-based): chr16:78,114,996, C>G. VCF-style: chr16-78114996-C-G. GRCh37 (hg19) VCF-style: chr16-78148893-C-G.
Other names: c.-89C>G (NM_001291997.2); c.251C>G, p.Thr84Ser (NM_130791.5); short protein forms T84S.
Identifiers: ClinVar variation 426908 (VCV000426908.8), dbSNP rs757145186, ClinGen allele CA8183131.

ClinVar aggregate classification (germline): Uncertain significance. Review status: criteria provided, multiple submitters, no conflicts (2 of 4 stars). 2 submissions from 2 submitters: Uncertain significance (2). Last evaluated 2025-10-23.

Conditions:
Autosomal recessive spinocerebellar ataxia 12. Also called: SPINOCEREBELLAR ATAXIA WITH MENTAL RETARDATION AND EPILEPSY. Identifiers: Orphanet 284282, MedGen C3280452, MONDO:0013687, OMIM 614322.
Developmental and epileptic encephalopathy, 1 (DEE1). Also called: X-linked infantile spasms; West's syndrome; Tonic spasms with clustering, arrest of psychomotor development and hypsarrhythmia on EEG; X-Linked Infantile Spasm Syndrome; INFANTILE SPASM SYNDROME, X-LINKED 1; OHTAHARA SYNDROME, X-LINKED. Identifiers: MedGen C3463992, MONDO:0010632, OMIM 308350. Disease mechanism: loss of function.

Allele frequency attached by ClinVar (database versions not stated): TOPMed 0.00001; ExAC 0.00002; gnomAD 0.00003.
gnomAD v4.1: 103 of 1,614,080 alleles (0.0064%); highest among the groups gnomAD compares: Non-Finnish European, 0.0086%; no homozygotes.

Submissions (2):

Labcorp Genetics (formerly Invitae), Labcorp
Classification: Uncertain significance for Developmental and epileptic encephalopathy, 1; Autosomal recessive spinocerebellar ataxia 12. Last evaluated: 2025-10-23. Review status: criteria provided, single submitter. Criteria: Invitae Variant Classification Sherloc (09022015). Collection method: clinical testing. Allele origin: germline.
Comment: This sequence change replaces threonine, which is neutral and polar, with serine, which is neutral and polar, at codon 84 of the WWOX protein (p.Thr84Ser). This variant is present in population databases (rs757145186, gnomAD 0.007%). This variant has not been reported in the literature in individuals affected with WWOX-related conditions. ClinVar contains an entry for this variant (Variation ID: 426908). An algorithm developed to predict the effect of missense changes on protein structure and function (PolyPhen-2) suggests that this variant is likely to be disruptive. In summary, the available evidence is currently insufficient to determine the role of this variant in disease. Therefore, it has been classified as a Variant of Uncertain Significance.

GeneDx
Classification: Uncertain significance. Last evaluated: 2023-06-20. Review status: criteria provided, single submitter. Criteria: GeneDx Variant Classification Process June 2021. Collection method: clinical testing. Allele origin: germline. Affected: yes.
Comment: Not observed at significant frequency in large population cohorts (gnomAD); In silico analysis supports that this missense variant has a deleterious effect on protein structure/function; Has not been previously published as pathogenic or benign to our knowledge